The following is an entry in ClinVar:

ClinVar aggregate classification (germline): Conflicting classifications of pathogenicity. Review status: criteria provided, conflicting classifications (1 of 4 stars). 14 submissions from 13 submitters: Uncertain significance (2); Benign (4); Likely benign (3). 5 of the submissions do not count toward it. Last evaluated 2026-02-02.

Conditions:
GATA4-related disorder. Also called: GATA4-related condition. Identifiers: MedGen CN860321.
Atrioventricular septal defect 4 (AVSD4). Identifiers: MedGen C3280781, MONDO:0013747, OMIM 614430.
Inborn genetic diseases. Identifiers: MedGen C0950123, MeSH D030342.
Tetralogy of Fallot (TOF). Identifiers: Orphanet 3303, MedGen C0039685, MONDO:0008542, OMIM 187500, HP:0001636.
Ventricular septal defect 1 (VSD1). Identifiers: MedGen C3280777, MONDO:0013746, OMIM 614429.
Testicular anomalies with or without congenital heart disease (TACHD). Identifiers: Orphanet 251510, MedGen C3809858, MONDO:0014239, OMIM 615542.
Atrial septal defect 2 (ASD2). Identifiers: Orphanet 1478, MedGen C1842778, MONDO:0011938, OMIM 607941.
Congenital heart disease (CHD). Identifiers: MedGen C0152021, MONDO:0005453. Disease mechanism: unknown.
Pulmonic stenosis. Also called: Pulmonic stenosis (disease). Identifiers: Orphanet 3189, MedGen C1956257, MONDO:0009938, OMIM 265500, HP:0001642.
Tricuspid regurgitation. Also called: tricuspid valve insufficiency. Identifiers: MedGen C0040961, MONDO:0002870, HP:0005180.
Pulmonary valve atresia. Identifiers: MedGen C0242855, HP:0010882.

Allele frequency attached by ClinVar (database versions not stated): gnomAD 0.00003; TOPMed 0.00024; gnomAD exomes 0.00099 and 0.00196; ExAC 0.00212; 1000 Genomes Project 0.00339; 1000 Genomes Project 30x 0.00359.
gnomAD v4.1: 1,553 of 1,614,200 alleles (0.096%); highest among the groups gnomAD compares: South Asian, 1.3%; 16 homozygotes.

Submissions (14):

Labcorp Genetics (formerly Invitae), Labcorp
Classification: Benign for Atrioventricular septal defect 4. Last evaluated: 2026-02-02. Review status: criteria provided, single submitter. Criteria: Invitae Variant Classification Sherloc (09022015). Collection method: clinical testing. Allele origin: germline.

Blueprint Genetics
Classification: Likely benign. Last evaluated: 2024-11-27. Review status: criteria provided, single submitter. Criteria: ACMG Guidelines, 2015. Collection method: clinical testing. Allele origin: germline.

Mendelics
Classification: Benign for Atrioventricular septal defect 4. Last evaluated: 2023-08-22. Review status: criteria provided, single submitter. Criteria: Mendelics Assertion Criteria 2019. Collection method: clinical testing. Allele origin: germline.

Department of Pathology and Laboratory Medicine, Sinai Health System
Classification: Likely benign for Tetralogy of Fallot; Testicular anomalies with or without congenital heart disease; Atrioventricular septal defect 4; Atrial septal defect 2; Ventricular septal defect 1. Last evaluated: 2021-08-23. Review status: criteria provided, single submitter. Criteria: ACMG Guidelines, 2015. Collection method: research. Allele origin: germline.

Victorian Clinical Genetics Services, Murdoch Childrens Research Institute
Classification: Likely benign for Congenital heart disease. Last evaluated: 2020-06-11. Review status: criteria provided, single submitter. Criteria: ACMG Guidelines, 2015. Collection method: clinical testing. Allele origin: germline. Inheritance: Autosomal dominant inheritance.
Comment: Based on the classification scheme VCGS_Germline_v1.3.2, this variant is classified as likely benign. Following criteria are met: 0102 - Loss of function is a known mechanism of disease in this gene and is associated with congenital heart disease. (I) 0107 - This gene is associated with autosomal dominant disease. (I) 0200 - Variant is predicted to result in a missense amino acid change from aspartic acid to asparagine (exon 7). (I) 0251 - This variant is heterozygous. (I) 0308 - Population frequency for this variant is out of keeping with known incidence of congenital heart disease (gnomAD v2: 491 heterozygotes, 2 homozygotes). (SB) 0309 - An alternative amino acid change at the same position to tyrosine has been observed in gnomAD (v3) (1 heterozygote, 0 homozygote). (I) 0501 - Missense variant consistently predicted to be damaging by multiple in silico tools or highly conserved with a major amino acid change. (SP) 0604 - Variant is not located in an established domain, motif, hotspot or informative constraint region. (I) 0705 - No comparable missense variants have previous evidence for pathogenicity. (I) 0808 - Previous reports of pathogenicity for this variant are conflicting. This variant has been classified mostly as benign or VUS in ClinVar. The pathogenic report in ClinVar is based on a publication in 2007 (PMID:18055909). (I) 1208 - Inheritance information for this variant is not currently available in this individual. (I) Legend: (SP) - Supporting pathogenic, (I) - Information, (SB) - Supporting benign

Centre for Mendelian Genomics, University Medical Centre Ljubljana
Classification: Uncertain significance for Pulmonary valve atresia; Pulmonic stenosis; Tricuspid regurgitation. Last evaluated: 2017-01-01. Review status: criteria provided, single submitter. Criteria: ACMG Guidelines, 2015. Collection method: clinical testing. Allele origin: unknown. Affected: yes.

Center for Pediatric Genomic Medicine, Children's Mercy Hospital and Clinics
Classification: Benign. Last evaluated: 2016-09-20. Review status: criteria provided, single submitter. Criteria: ACMG Guidelines, 2015. Collection method: clinical testing. Allele origin: germline.

Ambry Genetics
Classification: Uncertain significance for Inborn genetic diseases. Last evaluated: 2013-07-01. Review status: criteria provided, single submitter. Criteria: Ambry Autosomal Dominant and X-Linked criteria (10/2015). Collection method: clinical testing. Allele origin: germline. Observed: 1 variant allele.
Comment: Ã¢â‚¬â€¹Based on the available evidence, the deleterious nature of this alteration is uncertain.

Broad Center for Mendelian Genomics, Broad Institute of MIT and Harvard
Classification: Benign for Tetralogy of Fallot. Review status: criteria provided, single submitter. Criteria: ACMG Guidelines, 2015. Collection method: research. Allele origin: germline. Inheritance: Autosomal dominant inheritance. Affected: yes.
Comment: The heterozygous p.Asp425Asn variant in GATA4 in 2 individuals with congenital heart defects, including an individual with an unaffected parent and the variant (PMID: 18055909), and has been identified in >1% of South Asian chromosomes and 1 homozygote by ExAC. In summary, this variant meets criteria to be classified as benign for autosomal dominant congenital heart defects.

PreventionGenetics, part of Exact Sciences
Classification: Likely benign for GATA4-related condition. Last evaluated: 2023-04-11. Review status: no assertion criteria provided. Collection method: clinical testing. Allele origin: germline. Not counted in ClinVar's aggregate classification.
Comment: This variant is classified as likely benign based on ACMG/AMP sequence variant interpretation guidelines (Richards et al. 2015 PMID: 25741868, with internal and published modifications).

OMIM
Classification: Pathogenic for ATRIAL SEPTAL DEFECT 2. Last evaluated: 2007-12-01. Review status: no assertion criteria provided. Collection method: literature only. Allele origin: germline. Not counted in ClinVar's aggregate classification.

OMIM
Classification: Pathogenic for TETRALOGY OF FALLOT. Last evaluated: 2007-12-01. Review status: no assertion criteria provided. Collection method: literature only. Allele origin: germline. Not counted in ClinVar's aggregate classification.

Genome Diagnostics Laboratory, University Medical Center Utrecht
Classification: Benign. Review status: no assertion criteria provided. Collection method: clinical testing. Allele origin: germline. Affected: yes. Study: VKGL Data-share Consensus. Not counted in ClinVar's aggregate classification.

Laboratory of Diagnostic Genome Analysis, Leiden University Medical Center (LUMC)
Classification: Likely benign. Review status: no assertion criteria provided. Collection method: clinical testing. Allele origin: germline. Affected: yes. Study: VKGL Data-share Consensus. Not counted in ClinVar's aggregate classification.

Literature cited by the submitters: PubMed 18055909 (cited by 3 submitters); PubMed 20981092 (cited by Broad Center for Mendelian Genomics, Broad Institute of MIT and Harvard); PubMed 27535533 (cited by OMIM).

NM_001308093.3(GATA4):c.1276G>A (p.Asp426Asn)

Gene: GATA4 (GATA binding protein 4). Cytogenetic location: 8p23.1.
Variant type: single nucleotide variant.
Coding change: c.1276G>A on transcript NM_001308093.3 (MANE Select); coding-DNA position 1276, G replaced by A.
Protein change: p.Asp426Asn; replaces aspartic acid 426 with asparagine.
Molecular consequence: missense variant.
Genome position (GRCh38, 1-based): chr8:11,758,419, G>A. VCF-style: chr8-11758419-G-A. GRCh37 (hg19) VCF-style: chr8-11615928-G-A.
Other names: c.655G>A, p.Asp219Asn (NM_001308094.2, NM_001374273.1); c.529G>A, p.Asp177Asn (NM_001374274.1); c.1273G>A, p.Asp425Asn (NM_002052.5); short protein forms D425N, D219N, D426N, D177N.
Identifiers: ClinVar variation 9034 (VCV000009034.26), dbSNP rs56208331, ClinGen allele CA204708.
Genomic context (GRCh38, chr8:11,758,419, plus strand): 5'-CTCTCCCCACAAGGCTATGCGTCTCCCGTCAGCCAGTCTCCACAGACCAGCTCCAAGCAG[G>A]ACTCTTGGAACAGCCTGGTCTTGGCCGACAGTCACGGGGACATAATCACTGCGTAATCTT-3'
Protein context (NP_001295022.1, residues 416-436): SQSPQTSSKQ[Asp426Asn]SWNSLVLADS